The following is an entry in ClinVar:

ClinVar aggregate classification (germline): Uncertain significance (1 of 4 stars; one submission).

Conditions:
Hereditary cancer-predisposing syndrome. Also called: Hereditary Cancer Syndrome; Tumor predisposition; Hereditary neoplastic syndrome; Neoplastic Syndromes, Hereditary. Identifiers: Orphanet 140162, MedGen C0027672, MeSH D009386, MONDO:0015356.
Cardiovascular phenotype. Identifiers: MedGen CN230736.

gnomAD v4.1: 1 of 1,611,026 alleles (0.000062%); highest among the groups gnomAD compares: East Asian, 0.0022%; no homozygotes.

Submission:

Ambry Genetics
Classification: Uncertain significance for Cardiovascular phenotype; Hereditary cancer-predisposing syndrome. Last evaluated: 2024-07-02. Review status: criteria provided, single submitter. Criteria: Ambry Variant Classification Scheme 2023. Collection method: clinical testing. Allele origin: germline.
Comment: The p.D1058E variant (also known as c.3174T>A), located in coding exon 24 of the NF1 gene, results from a T to A substitution at nucleotide position 3174. The aspartic acid at codon 1058 is replaced by glutamic acid, an amino acid with highly similar properties. This amino acid position is conserved. In addition, this alteration is predicted to be tolerated by in silico analysis. Based on the available evidence, the clinical significance of this variant remains unclear.

NM_001042492.3(NF1):c.3174T>A (p.Asp1058Glu)

Gene: NF1 (neurofibromin 1; plus strand). Cytogenetic location: 17q11.2.
Variant type: single nucleotide variant.
Coding change: c.3174T>A on transcript NM_001042492.3 (MANE Select); coding-DNA position 3174, T replaced by A.
Protein change: p.Asp1058Glu; replaces aspartic acid 1058 with glutamic acid.
Molecular consequence: missense variant.
Genome position (GRCh38, 1-based): chr17:31,230,902, T>A. VCF-style: chr17-31230902-T-A. GRCh37 (hg19) VCF-style: chr17-29557920-T-A.
Other names: c.3174T>A, p.Asp1058Glu (NM_000267.4); short protein forms D1058E.
Identifiers: ClinVar variation 3404614 (VCV003404614.1).
Genomic context (GRCh38, chr17:31,230,902, plus strand): 5'-GAATAAGATGGTAGAATACCTGACAGACTGGGTTATGGGAACATCAAACCAAGCAGCAGA[T>A]GATGATGTAAAATGTCTTACAAGGTAAAAAAAGAATGACCTTCAAGTATTAGTGGGTTTT-3'
Protein context (NP_001035957.1, residues 1048-1068): WVMGTSNQAA[Asp1058Glu]DDVKCLTRDL